The following is an entry in ClinVar:

ClinVar aggregate classification (germline): Benign/Likely benign. Review status: criteria provided, multiple submitters, no conflicts (2 of 4 stars). 7 submissions from 7 submitters: Benign (1); Likely benign (5). 1 of the submissions does not count toward it. Last evaluated 2026-03-01.

Conditions:
Cardiovascular phenotype. Identifiers: MedGen CN230736.

Allele frequency attached by ClinVar (database versions not stated): gnomAD exomes 0.00101; ExAC 0.00124; 1000 Genomes Project 0.00319; 1000 Genomes Project 30x 0.00344; gnomAD 0.00353 and 0.00382; TOPMed 0.00394; ESP Exome Variant Server 0.00492.
gnomAD v4.1: 1,039 of 1,614,126 alleles (0.064%); highest among the groups gnomAD compares: African/African-American, 1.3%; 10 homozygotes.

Submissions (7):

CeGaT Center for Human Genetics Tuebingen
Classification: Likely benign. Last evaluated: 2026-03-01. Review status: criteria provided, single submitter. Criteria: CeGaT Center For Human Genetics Tuebingen Variant Classification Criteria Version 2. Collection method: clinical testing. Allele origin: germline. Affected: yes. Observed: 1 variant allele.
Comment: ABCG8: BP4, BP7, BS1

Labcorp Genetics (formerly Invitae), Labcorp
Classification: Benign. Last evaluated: 2026-01-24. Review status: criteria provided, single submitter. Criteria: Invitae Variant Classification Sherloc (09022015). Collection method: clinical testing. Allele origin: germline.

Mayo Clinic Laboratories, Mayo Clinic
Classification: Likely benign. Last evaluated: 2025-09-09. Review status: criteria provided, single submitter. Criteria: ACMG Guidelines, 2015. Collection method: clinical testing. Allele origin: germline. Observed: 10 variant alleles.
Comment: BS1, BP4, BP7

Blueprint Genetics
Classification: Likely benign. Last evaluated: 2024-11-13. Review status: criteria provided, single submitter. Criteria: ACMG Guidelines, 2015. Collection method: clinical testing. Allele origin: germline.

Women's Health and Genetics/Laboratory Corporation of America, LabCorp
Classification: Likely benign. Last evaluated: 2023-07-18. Review status: criteria provided, single submitter. Criteria: LabCorp Variant Classification Summary - May 2015. Collection method: clinical testing. Allele origin: germline.

Ambry Genetics
Classification: Likely benign for Cardiovascular phenotype. Last evaluated: 2022-02-14. Review status: criteria provided, single submitter. Criteria: Ambry Variant Classification Scheme 2023. Collection method: clinical testing. Allele origin: germline.

Genetic Services Laboratory, University of Chicago
Classification: Likely benign. Last evaluated: 2022-11-28. Review status: no assertion criteria provided. Collection method: clinical testing. Allele origin: germline. Affected: no. Not counted in ClinVar's aggregate classification.

NM_022437.3(ABCG8):c.1716C>T (p.Leu572=)

Gene: ABCG8 (ATP binding cassette subfamily G member 8; plus strand). Cytogenetic location: 2p21.
Variant type: single nucleotide variant.
Coding change: c.1716C>T on transcript NM_022437.3 (MANE Select); coding-DNA position 1716, C replaced by T.
Protein change: p.Leu572=; no amino-acid change (leucine 572 retained).
Molecular consequence: synonymous variant.
Genome position (GRCh38, 1-based): chr2:43,875,373, C>T. VCF-style: chr2-43875373-C-T. GRCh37 (hg19) VCF-style: chr2-44102512-C-T.
Other names: p.Leu572=; c.1713C>T, p.Leu571= (NM_001357321.2).
Identifiers: ClinVar variation 791737 (VCV000791737.21), dbSNP rs116046586, ClinGen allele CA1637602.